The following is an entry in ClinVar:

ClinVar aggregate classification (germline): Pathogenic/Likely pathogenic. Review status: criteria provided, multiple submitters, no conflicts (2 of 4 stars). 9 submissions from 9 submitters: Pathogenic (7); Likely pathogenic (2). Last evaluated 2025-08-09.

Conditions:
Hereditary cancer-predisposing syndrome. Also called: Hereditary neoplastic syndrome; Neoplastic Syndromes, Hereditary; Tumor predisposition; Hereditary Cancer Syndrome. Identifiers: Orphanet 140162, MedGen C0027672, MeSH D009386, MONDO:0015356.
Hereditary breast ovarian cancer syndrome. Also called: Hereditary breast and ovarian cancer syndrome (HBOC); Breast and ovarian cancer; Hereditary breast and/or ovarian cancer syndrome; BRCA1- and BRCA2-Associated Hereditary Breast and Ovarian Cancer; Hereditary breast and ovarian cancer syndrome; Hereditary breast and ovarian cancer. Identifiers: Orphanet 145, MedGen C0677776, MeSH D061325, MONDO:0003582. Disease mechanism: loss of function.
Breast-ovarian cancer, familial, susceptibility to, 4. Identifiers: Orphanet 145, MedGen C3280345, MONDO:0013669, OMIM 614291.

Allele frequency attached by ClinVar (database versions not stated): gnomAD exomes below 0.00001.

Submissions (9):

Labcorp Genetics (formerly Invitae), Labcorp
Classification: Pathogenic for Breast-ovarian cancer, familial, susceptibility to, 4. Last evaluated: 2025-08-09. Review status: criteria provided, single submitter. Criteria: Invitae Variant Classification Sherloc (09022015). Collection method: clinical testing. Allele origin: germline.
Comment: This sequence change creates a premature translational stop signal (p.Ser111*) in the RAD51D gene. It is expected to result in an absent or disrupted protein product. Loss-of-function variants in RAD51D are known to be pathogenic (PMID: 21822267). This variant is not present in population databases (gnomAD no frequency). This variant has not been reported in the literature in individuals affected with RAD51D-related conditions. ClinVar contains an entry for this variant (Variation ID: 185760). Algorithms developed to predict the effect of sequence changes on RNA splicing suggest that this variant may disrupt the consensus splice site. For these reasons, this variant has been classified as Pathogenic.

Institute of Medical Genetics and Applied Genomics, University Hospital Tübingen
Classification: Pathogenic for Hereditary breast ovarian cancer syndrome. Last evaluated: 2025-02-13. Review status: criteria provided, single submitter. Criteria: ACMG Guidelines, 2015. Collection method: clinical testing. Allele origin: germline. Inheritance: Autosomal dominant inheritance. Affected: yes.

Ambry Genetics
Classification: Pathogenic for Hereditary cancer-predisposing syndrome. Last evaluated: 2024-07-16. Review status: criteria provided, single submitter. Criteria: Ambry Variant Classification Scheme 2023. Collection method: clinical testing. Allele origin: germline.
Comment: The c.330dupT pathogenic mutation, located in coding exon 4 of the RAD51D gene, results from a duplication of T at nucleotide position 330, causing a translational frameshift with a predicted alternate stop codon (p.S111*). This alteration is expected to result in loss of function by premature protein truncation or nonsense-mediated mRNA decay. As such, this alteration is interpreted as a disease-causing mutation.

Myriad Genetics, Inc.
Classification: Pathogenic for Breast-ovarian cancer, familial, susceptibility to, 4. Last evaluated: 2024-01-04. Review status: criteria provided, single submitter. Criteria: Myriad Autosomal Dominant, Autosomal Recessive and X-Linked Classification Criteria (2023). Collection method: clinical testing. Allele origin: unknown.
Comment: This variant is considered pathogenic. This variant creates a termination codon and is predicted to result in premature protein truncation.

Women's Health and Genetics/Laboratory Corporation of America, LabCorp
Classification: Pathogenic for Hereditary breast ovarian cancer syndrome. Last evaluated: 2023-10-16. Review status: criteria provided, single submitter. Criteria: LabCorp Variant Classification Summary - May 2015. Collection method: clinical testing. Allele origin: germline.
Comment: Variant summary: RAD51D c.330dupT (p.Ser111X) results in a premature termination codon, predicted to cause a truncation of the encoded protein or absence of the protein due to nonsense mediated decay, which are commonly known mechanisms for disease. Variants downstream of this position have been classified as pathogenic by our laboratory. The variant was absent in 251280 control chromosomes (gnomAD). c.330dupT has been reported in the literature in at-least one individual affected Ovarian Cancer (example: Lilyquist_2017). The following publication has been ascertained in the context of this evaluation (PMID: 28888541). Four submitters have cited clinical-significance assessments for this variant to ClinVar after 2014. All submitters classified the variant as pathogenic/likely pathogenic. Based on the evidence outlined above, the variant was classified as pathogenic.

ARUP Laboratories, Molecular Genetics and Genomics, ARUP Laboratories
Classification: Pathogenic for Breast-ovarian cancer, familial, susceptibility to, 4. Last evaluated: 2023-08-17. Review status: criteria provided, single submitter. Criteria: ARUP Molecular Germline Variant Investigation Process 2024. Collection method: clinical testing. Allele origin: germline.
Comment: The RAD51D c.330dup; p.Ser111Ter variant (rs786202434) is reported in the literature in an individual affected with ovarian cancer (Lilyquist 2017). This variant is also reported in ClinVar (Variation ID: 185760). This variant is also absent from the Genome Aggregation Database, indicating it is not a common polymorphism. This variant causes a frameshift by inserting a single nucleotide, so it is predicted to result in a truncated protein or mRNA subject to nonsense-mediated decay. Based on available information, this variant is considered to be pathogenic. References: Lilyquist J et al. Frequency of mutations in a large series of clinically ascertained ovarian cancer cases tested on multi-gene panels compared to reference controls. Gynecol Oncol. 2017 Nov;147(2):375-380. PMID: 28888541.

Baylor Genetics
Classification: Likely pathogenic for Breast-ovarian cancer, familial, susceptibility to, 4. Last evaluated: 2023-02-08. Review status: criteria provided, single submitter. Criteria: ACMG Guidelines, 2015. Collection method: clinical testing. Allele origin: unknown.

Color Diagnostics, LLC DBA Color Health
Classification: Pathogenic for Hereditary cancer-predisposing syndrome. Last evaluated: 2022-05-05. Review status: criteria provided, single submitter. Criteria: ACMG Guidelines, 2015. Collection method: clinical testing. Allele origin: germline.
Comment: This variant inserts 1 nucleotide in exon 4 of the RAD51D gene, creating a premature translation stop signal. This variant is expected to result in an absent or non-functional protein product. To our knowledge, this variant has not been reported in individuals affected with hereditary cancer in the literature. This variant has not been identified in the general population by the Genome Aggregation Database (gnomAD). Loss of RAD51D function is a known mechanism of disease. Based on the available evidence, this variant is classified as Pathogenic.

GeneDx
Classification: Likely pathogenic. Last evaluated: 2020-09-23. Review status: criteria provided, single submitter. Criteria: GeneDx Variant Classification Process June 2021. Collection method: clinical testing. Allele origin: germline. Affected: yes.
Comment: Nonsense variant predicted to result in protein truncation or nonsense mediated decay in a gene for which loss-of-function is a known mechanism of disease; Not observed in large population cohorts (Lek et al., 2016) This variant is associated with the following publications: (PMID: 28152038)

Literature cited by the submitters: PubMed 21822267 (cited by Labcorp Genetics (formerly Invitae), Labcorp); PubMed 28888541 (cited by Women's Health and Genetics/Laboratory Corporation of America, LabCorp).

NM_002878.4(RAD51D):c.330dup (p.Ser111Ter)

Genes: RAD51L3-RFFL (RAD51L3-RFFL readthrough; minus strand), RAD51D (RAD51 paralog D; minus strand). Cytogenetic location: 17q12.
Variant type: Duplication.
Coding change: c.330dup on transcript NM_002878.4 (MANE Select); coding-DNA position 330, one base duplicated (T; older notation c.330dupT).
Protein change: p.Ser111Ter; replaces serine 111 with a stop codon.
Molecular consequence: nonsense. On other transcripts: non-coding transcript variant (2), intron variant (1).
Genome position (GRCh38, 1-based): chr17:35,107,381, A duplicated on the plus strand (T on the coding strand, the reverse complement: RAD51D is on the minus strand). VCF-style (leftmost placement, unchanged base first): chr17-35107380-T-TA. GRCh37 (hg19) VCF-style: chr17-33434399-T-TA.
Other names: c.390dup, p.Ser131Ter (NM_001142571.2); c.145-900dup (NM_133629.3); c.330dupT (NM_002878.3, NM_002878.4); short protein forms S111*, S131*.
Identifiers: ClinVar variation 185760 (VCV000185760.25), dbSNP rs786202434, ClinGen allele CA192851.